The following is an entry in ClinVar:

ClinVar aggregate classification (germline): Uncertain significance (1 of 4 stars; one submission).

Conditions:
Cardiomyopathy (CMYO). Also called: Cardiomyopathies. Identifiers: Orphanet 167848, MedGen C0878544, MONDO:0004994, HP:0001638. Inheritance: Various modes of inheritance.

Submission:

Color Diagnostics, LLC DBA Color Health
Classification: Uncertain significance for Cardiomyopathy. Last evaluated: 2023-12-04. Review status: criteria provided, single submitter. Criteria: ACMG Guidelines, 2015. Collection method: clinical testing. Allele origin: germline.
Comment: Variant of Uncertain Significance due to insufficient evidence: This missense variant is located in the extracellular cadherin domain 1 of the DSG2 protein. Computational prediction tools and conservation analyses are inconclusive regarding the impact of this variant on the protein function. Computational splicing tools suggest that this variant may impact RNA splicing by creating a new splice acceptor site. To our knowledge, functional assays have not been performed for this variant nor has this variant been reported in individuals affected with cardiovascular disorders in the literature. This variant is rare in the general population and has been identified in 0/277264 chromosomes by the Genome Aggregation Database (gnomAD). Available evidence is insufficient to determine the role of this variant in disease conclusively.

NM_001943.5(DSG2):c.314A>G (p.Asn105Ser)

Gene: DSG2 (desmoglein 2; plus strand). Cytogenetic location: 18q12.1.
Variant type: single nucleotide variant.
Coding change: c.314A>G on transcript NM_001943.5 (MANE Select); coding-DNA position 314, A replaced by G.
Protein change: p.Asn105Ser; replaces asparagine 105 with serine.
Molecular consequence: missense variant.
Genome position (GRCh38, 1-based): chr18:31,520,900, A>G. VCF-style: chr18-31520900-A-G. GRCh37 (hg19) VCF-style: chr18-29100863-A-G.
Other names: short protein forms N105S.
Identifiers: ClinVar variation 925915 (VCV000925915.5), dbSNP rs2073123917, ClinGen allele CA402131549.